The following is an entry in ClinVar:

NM_000198.4(HSD3B2):c.471C>G (p.Ser157Arg)

Gene: HSD3B2 (hydroxy-delta-5-steroid dehydrogenase, 3 beta- and steroid delta-isomerase 2; plus strand). Cytogenetic location: 1p12.
Variant type: single nucleotide variant.
Coding change: c.471C>G on transcript NM_000198.4 (MANE Select); coding-DNA position 471, C replaced by G.
Protein change: p.Ser157Arg; replaces serine 157 with arginine.
Molecular consequence: missense variant.
Genome position (GRCh38, 1-based): chr1:119,421,972, C>G. VCF-style: chr1-119421972-C-G. GRCh37 (hg19) VCF-style: chr1-119964595-C-G.
Other names: c.471C>G, p.Ser157Arg (NM_001166120.2); short protein forms S157R.
Identifiers: ClinVar variation 2585542 (VCV002585542.1), dbSNP rs2526391697, ClinGen allele CA341396667.

ClinVar aggregate classification (germline): Uncertain significance (1 of 4 stars; one submission).

Conditions:
3 beta-Hydroxysteroid dehydrogenase deficiency. Also called: ADRENAL HYPERPLASIA, CONGENITAL, DUE TO 3-BETA-HYDROXYSTEROID DEHYDROGENASE 2 DEFICIENCY; Congenital adrenal hyperplasia due to 3-beta-hydroxysteroid dehydrogenase deficiency; 3-BETA-HSD DEFICIENCY; ADRENAL HYPERPLASIA II; 3b-hydroxysteroid dehydrogenase deficiency. Identifiers: Orphanet 90791, MedGen C0342471, MeSH C538236, MONDO:0008727, OMIM 201810. Disease mechanism: loss of function.

Submission:

Neuberg Centre For Genomic Medicine, NCGM
Classification: Uncertain significance for 3 beta-Hydroxysteroid dehydrogenase deficiency. Review status: criteria provided, single submitter. Criteria: ACMG Guidelines, 2015. Collection method: clinical testing. Allele origin: germline. Inheritance: Autosomal recessive inheritance. Affected: yes.
Comment: The missense variant p.S157R in HSD3B2 (NM_000198.4) has not been reported previously as a pathogenic variant nor as a benign variant. The p.S157R variant is novel (not in any individuals) in gnomAD Exomes and is novel (not in any individuals) in 1000 Genomes. This variant has not been reported to the ClinVar database. The amino acid Ser at position 157 is changed to a Arg changing protein sequence and it might alter its composition and physico-chemical properties. The amino acid change p.Ser157Arg in HSD3B2 is predicted as conserved by GERP++ and PhyloP across 100 vertebrates. For these reasons, this variant has been classified as Uncertain Significance.